The following is an entry in ClinVar:

ClinVar aggregate classification (germline): Pathogenic (1 of 4 stars; one submission).

Conditions:
Cystic fibrosis (CF). Also called: MUCOVISCIDOSIS. Identifiers: Orphanet 586, MedGen C0010674, MONDO:0009061, OMIM 219700. Disease mechanism: loss of function.

Submission:

Labcorp Genetics (formerly Invitae), Labcorp
Classification: Pathogenic for Cystic fibrosis. Last evaluated: 2019-06-18. Review status: criteria provided, single submitter. Criteria: Invitae Variant Classification Sherloc (09022015). Collection method: clinical testing. Allele origin: germline.
Comment: Algorithms developed to predict the effect of missense changes on protein structure and function (SIFT, PolyPhen-2, Align-GVGD) all suggest that this variant is likely to be disruptive, but these predictions have not been confirmed by published functional studies and their clinical significance is uncertain. This variant disrupts the p.Gly1244 amino acid residue in CFTR. Other variant(s) that disrupt this residue have been determined to be pathogenic (PMID: 23974870, 21520337, 22020151, 10923036, 10636451, 11242048). This suggests that this residue is clinically significant, and that variants that disrupt this residue are likely to be disease-causing. For these reasons, this variant has been classified as Pathogenic. This variant has been observed in several individuals affected with cystic fibrosis (PMID: 16635477, 25910067, 26160248, 24586523). This variant is not present in population databases (ExAC no frequency). This sequence change replaces glycine with arginine at codon 1244 of the CFTR protein (p.Gly1244Arg). The glycine residue is highly conserved and there is a moderate physicochemical difference between glycine and arginine.

Literature cited by the submitters: PubMed 23974870; PubMed 21520337; PubMed 22020151; PubMed 10923036; PubMed 10636451; PubMed 11242048; PubMed 16635477; PubMed 25910067; PubMed 26160248; PubMed 24586523.

NM_000492.4(CFTR):c.3730G>A (p.Gly1244Arg)

Genes: CFTR (CF transmembrane conductance regulator; plus strand), CFTR-AS2 (CFTR antisense RNA 2; minus strand). Cytogenetic location: 7q31.2.
Variant type: single nucleotide variant.
Coding change: c.3730G>A on transcript NM_000492.4 (MANE Select); coding-DNA position 3730, G replaced by A.
Protein change: p.Gly1244Arg; replaces glycine 1244 with arginine.
Molecular consequence: missense variant.
Genome position (GRCh38, 1-based): chr7:117,642,450, G>A. VCF-style: chr7-117642450-G-A. GRCh37 (hg19) VCF-style: chr7-117282504-G-A.
Other names: short protein forms G1244R.
Identifiers: ClinVar variation 53796 (VCV000053796.8), dbSNP rs397508599, ClinGen allele CA327264.